The following is an entry in ClinVar:

ClinVar aggregate classification (germline): Uncertain significance (1 of 4 stars; one submission).

Conditions:
Ataxia-telangiectasia syndrome (AT). Also called: Ataxia-telangiectasia, complementation group D; AT, COMPLEMENTATION GROUP C; ATAXIA-TELANGIECTASIA, COMPLEMENTATION GROUP A; ATAXIA-TELANGIECTASIA, FRESNO VARIANT; Ataxia-telangiectasia; LOUIS-BAR SYNDROME. Identifiers: Orphanet 100, MedGen C0004135, MONDO:0008840, OMIM 208900.

Submission:

Labcorp Genetics (formerly Invitae), Labcorp
Classification: Uncertain significance for Ataxia-telangiectasia syndrome. Last evaluated: 2022-11-22. Review status: criteria provided, single submitter. Criteria: Invitae Variant Classification Sherloc (09022015). Collection method: clinical testing. Allele origin: germline.
Comment: In summary, the available evidence is currently insufficient to determine the role of this variant in disease. Therefore, it has been classified as a Variant of Uncertain Significance. Variants that disrupt the consensus splice site are a relatively common cause of aberrant splicing (PMID: 17576681, 9536098). Algorithms developed to predict the effect of sequence changes on RNA splicing suggest that this variant is not likely to affect RNA splicing. ClinVar contains an entry for this variant (Variation ID: 639213). This variant has not been reported in the literature in individuals affected with ATM-related conditions. This variant is not present in population databases (gnomAD no frequency). This sequence change falls in intron 41 of the ATM gene. It does not directly change the encoded amino acid sequence of the ATM protein. It affects a nucleotide within the consensus splice site.

Literature cited by the submitters: PubMed 17576681; PubMed 9536098.

NM_000051.4(ATM):c.6095+4A>C

Genes: ATM (ATM serine/threonine kinase; plus strand), C11orf65 (chromosome 11 open reading frame 65; minus strand). Cytogenetic location: 11q22.3.
Variant type: single nucleotide variant.
Coding change: c.6095+4A>C on transcript NM_000051.4 (MANE Select); 4 bases into the intron after coding-DNA position 6095, A replaced by C.
Molecular consequence: intron variant.
Genome position (GRCh38, 1-based): chr11:108,315,915, A>C. VCF-style: chr11-108315915-A-C. GRCh37 (hg19) VCF-style: chr11-108186642-A-C.
Other names: c.6095+4A>C (NM_001351834.2); c.641-6844T>G (NM_001330368.2); c.*39-6844T>G (NM_001351110.2).
Identifiers: ClinVar variation 639213 (VCV000639213.7), dbSNP rs1555113632, ClinGen allele CA915947648.
Genomic context (GRCh38, chr11:108,315,915, plus strand): 5'-GGAGCCAGATAGTTTGTATGGCTGTGGTGGAGGGAAGATGTTACAACCCATTACTAGGTA[A>C]ATTGCATTTTTCTAAACAACGGTATAGTAATTCTGTTTATGAAGGAGTTATGTGTGTGTA-3'